The following is an entry in ClinVar:

NM_002444.3(MSN):c.1099G>A (p.Glu367Lys)

Gene: MSN (moesin; plus strand). Cytogenetic location: Xq12.
Variant type: single nucleotide variant.
Coding change: c.1099G>A on transcript NM_002444.3 (MANE Select); coding-DNA position 1099, G replaced by A.
Protein change: p.Glu367Lys; replaces glutamic acid 367 with lysine.
Molecular consequence: missense variant.
Genome position (GRCh38, 1-based): chrX:65,737,186, G>A. VCF-style: chrX-65737186-G-A. GRCh37 (hg19) VCF-style: chrX-64957048-G-A.
Other names: c.1099G>A (NM_002444.2); short protein forms E367K.
Identifiers: ClinVar variation 2433807 (VCV002433807.4), dbSNP rs2071686521, ClinGen allele CA413413258.

ClinVar aggregate classification (germline): Uncertain significance. Review status: criteria provided, multiple submitters, no conflicts (2 of 4 stars). 2 submissions from 2 submitters: Uncertain significance (2). Last evaluated 2023-01-18.

Conditions:
MSN-related disorder. Also called: MSN-related condition.
Combined immunodeficiency due to moesin deficiency. Also called: IMMUNODEFICIENCY 50, X-LINKED RECESSIVE; Immunodeficiency 50. Identifiers: Orphanet 504530, MedGen C5568123, MONDO:0010514, OMIM 300988.

Allele frequency attached by ClinVar (database versions not stated): TOPMed below 0.00001.
gnomAD v4.1: 1 of 1,204,577 alleles (0.000083%); no homozygotes.

Submissions (2):

PreventionGenetics, part of Exact Sciences
Classification: Uncertain significance for MSN-related condition. Last evaluated: 2023-01-18. Review status: criteria provided, single submitter. Criteria: ACMG Guidelines, 2015. Collection method: clinical testing. Allele origin: germline.
Comment: The MSN c.1099G>A variant is predicted to result in the amino acid substitution p.Glu367Lys. To our knowledge, this variant has not been reported in the literature or in a large population database, indicating this variant is rare. At this time, the clinical significance of this variant is uncertain due to the absence of conclusive functional and genetic evidence.

Revvity Omics, Revvity
Classification: Uncertain significance for Combined immunodeficiency due to moesin deficiency. Last evaluated: 2021-05-21. Review status: criteria provided, single submitter. Criteria: ACMG Guidelines, 2015. Collection method: clinical testing. Allele origin: germline.